The following is an entry in ClinVar:

NM_004525.3(LRP2):c.13620+1G>T

Gene: LRP2 (LDL receptor related protein 2; minus strand). Cytogenetic location: 2q31.1.
Variant type: single nucleotide variant.
Coding change: c.13620+1G>T on transcript NM_004525.3 (MANE Select); the canonical splice donor site of the intron after coding-DNA position 13620, G replaced by T.
Molecular consequence: splice donor variant.
Genome position (GRCh38, 1-based): chr2:169,137,391, C>A on the plus strand (G>T on the coding strand, the complement: LRP2 is on the minus strand). VCF-style: chr2-169137391-C-A. GRCh37 (hg19) VCF-style: chr2-169993901-C-A.
Identifiers: ClinVar variation 2974494 (VCV002974494.6), dbSNP rs745765868, ClinGen allele CA1952480.

ClinVar aggregate classification (germline): Conflicting classifications of pathogenicity. Review status: criteria provided, conflicting classifications (1 of 4 stars). 3 submissions from 3 submitters: Likely pathogenic (2); Uncertain significance (1). Last evaluated 2026-01-09.

Conditions:
Donnai-Barrow syndrome. Also called: DBS/FOAR SYNDROME; FACIOOCULOACOUSTICORENAL SYNDROME. Identifiers: Orphanet 2143, MedGen C1857277, MONDO:0009104, OMIM 222448.

Allele frequency attached by ClinVar (database versions not stated): TOPMed below 0.00001; gnomAD 0.00001; gnomAD exomes 0.00001; ExAC 0.00005.
gnomAD v4.1: 11 of 1,605,364 alleles (0.00069%); highest among the groups gnomAD compares: Non-Finnish European, 0.00094%; no homozygotes.

Submissions (4):

Labcorp Genetics (formerly Invitae), Labcorp
Classification: Likely pathogenic. Last evaluated: 2026-01-09. Review status: criteria provided, single submitter. Criteria: Invitae Variant Classification Sherloc (09022015). Collection method: clinical testing. Allele origin: germline.
Comment: This sequence change affects a donor splice site in intron 76 of the LRP2 gene. It is expected to disrupt RNA splicing. Variants that disrupt the donor or acceptor splice site typically lead to a loss of protein function (PMID: 16199547), and loss-of-function variants in LRP2 are known to be pathogenic (PMID: 17632512, 25682901). This variant is present in population databases (rs745765868, gnomAD 0.005%). This variant has not been reported in the literature in individuals affected with LRP2-related conditions. ClinVar contains an entry for this variant (Variation ID: 2974494). Algorithms developed to predict the effect of sequence changes on RNA splicing suggest that this variant may disrupt the consensus splice site. In summary, the currently available evidence indicates that the variant is pathogenic, but additional data are needed to prove that conclusively. Therefore, this variant has been classified as Likely Pathogenic.

Fulgent Genetics
Classification: Likely pathogenic for Donnai-Barrow syndrome. Last evaluated: 2024-06-18. Review status: criteria provided, single submitter. Criteria: ACMG Guidelines, 2015. Collection method: clinical testing. Allele origin: germline.

Blueprint Genetics
Classification: Uncertain significance. Last evaluated: 2022-08-08. Review status: criteria provided, single submitter. Criteria: ACMG Guidelines, 2015. Collection method: clinical testing. Allele origin: germline.

Dr. Peter K. Rogan Lab, Western University
No classification provided (evidence only). Condition: Thyroid cancer, nonmedullary, 1. Review status: no classification provided. Collection method: in vitro. Allele origin: not applicable. Functional consequence: skipped exon. Not counted in ClinVar's aggregate classification.

Literature cited by the submitters: PubMed 16199547 (cited by Labcorp Genetics (formerly Invitae), Labcorp); PubMed 17632512 (cited by Labcorp Genetics (formerly Invitae), Labcorp); PubMed 25682901 (cited by Labcorp Genetics (formerly Invitae), Labcorp).